The following is an entry in ClinVar:

NC_000008.10:g.(?_30915964)_(31030618_?)del

Gene: WRN (WRN RecQ like helicase; plus strand). Cytogenetic location: 8p12.
Variant type: Deletion.
Identifiers: ClinVar variation 2423323 (VCV002423323.3).

ClinVar aggregate classification (germline): Pathogenic (1 of 4 stars; one submission).

Conditions:
Werner syndrome (WRN). Identifiers: Orphanet 902, MedGen C0043119, MONDO:0010196, OMIM 277700.

Submission:

Labcorp Genetics (formerly Invitae), Labcorp
Classification: Pathogenic for Werner syndrome. Last evaluated: 2022-05-06. Review status: criteria provided, single submitter. Criteria: Invitae Variant Classification Sherloc (09022015). Collection method: clinical testing. Allele origin: germline.
Comment: A gross deletion of the genomic region encompassing the full coding sequence of the WRN gene has been identified. Loss-of-function variants in WRN are known to be pathogenic (PMID: 16673358). The boundaries of this event are unknown as they extend beyond the assayed region for this gene and therefore may encompass additional genes. This variant has not been reported in the literature in individuals affected with WRN-related conditions. For these reasons, this variant has been classified as Pathogenic.

Literature cited by the submitters: PubMed 16673358.